The following is an entry in ClinVar:

NM_001308093.3(GATA4):c.422C>A (p.Ala141Glu)

Gene: GATA4 (GATA binding protein 4). Cytogenetic location: 8p23.1.
Variant type: single nucleotide variant.
Coding change: c.422C>A on transcript NM_001308093.3 (MANE Select); coding-DNA position 422, C replaced by A.
Protein change: p.Ala141Glu; replaces alanine 141 with glutamic acid.
Molecular consequence: missense variant. On other transcripts: intron variant (3).
Genome position (GRCh38, 1-based): chr8:11,708,734, C>A. VCF-style: chr8-11708734-C-A. GRCh37 (hg19) VCF-style: chr8-11566243-C-A.
Other names: c.422C>A, p.Ala141Glu (NM_002052.5); c.-6+7956C>A (NM_001308094.2); c.-3+720C>A (NM_001374274.1); c.-3+4430C>A (NM_001374273.1); short protein forms A141E.
Identifiers: ClinVar variation 4760214 (VCV004760214.1).

ClinVar aggregate classification (germline): Uncertain significance (1 of 4 stars; one submission).

Conditions:
Atrioventricular septal defect 4 (AVSD4). Identifiers: MedGen C3280781, MONDO:0013747, OMIM 614430.

gnomAD v4.1: 3 of 1,291,996 alleles (0.00023%); highest among the groups gnomAD compares: South Asian, 0.0025%; no homozygotes.

Submission:

Labcorp Genetics (formerly Invitae), Labcorp
Classification: Uncertain significance for Atrioventricular septal defect 4. Last evaluated: 2026-01-28. Review status: criteria provided, single submitter. Criteria: Invitae Variant Classification Sherloc (09022015). Collection method: clinical testing. Allele origin: germline.
Comment: This sequence change replaces alanine, which is neutral and non-polar, with glutamic acid, which is acidic and polar, at codon 141 of the GATA4 protein (p.Ala141Glu). This variant is not present in population databases (gnomAD no frequency). This variant has not been reported in the literature in individuals affected with GATA4-related conditions. Invitae Evidence Modeling of protein sequence and biophysical properties (such as structural, functional, and spatial information, amino acid conservation, physicochemical variation, residue mobility, and thermodynamic stability) indicates that this missense variant is not expected to disrupt GATA4 protein function with a negative predictive value of 95%. In summary, the available evidence is currently insufficient to determine the role of this variant in disease. Therefore, it has been classified as a Variant of Uncertain Significance.